The following is an entry in ClinVar:

ClinVar aggregate classification (germline): Uncertain significance (1 of 4 stars; one submission).

Conditions:
Platelet-type bleeding disorder 15 (BDPLT15). Also called: MACROTHROMBOCYTOPENIA, AUTOSOMAL DOMINANT, ACTN1-RELATED. Identifiers: Orphanet 140957, MedGen C3554663, MONDO:0014078, OMIM 615193.

Submission:

ISTH-SSC Genomics in Thrombosis and Hemostasis, KU Leuven, Center for Molecular and Vascular Biology
Classification: Uncertain significance for Platelet-type bleeding disorder 15. Review status: criteria provided, single submitter. Criteria: ACMG Guidelines, 2015. Collection method: clinical testing. Allele origin: germline. Affected: yes. Observed: 1 heterozygote.
Comment: Submitted to the GoldVariant database by Kathleen Freson, Center for Molecular and Vascular Biology

NM_001130004.2(ACTN1):c.340+10_340+13del

Gene: ACTN1 (actinin alpha 1; minus strand). Cytogenetic location: 14q24.1.
Variant type: Deletion.
Coding change: c.340+10_340+13del on transcript NM_001130004.2 (MANE Select); bases 10 to 13 of the intron after coding-DNA position 340, 4 bases deleted (ACCT; older notation c.340+10_340+13delACCT).
Molecular consequence: intron variant.
Genome position (GRCh38, 1-based): chr14:68,920,993-68,920,996, AGGT deleted on the plus strand (ACCT on the coding strand, the reverse complement: ACTN1 is on the minus strand); deleting any 4 consecutive bases within chr14:68,920,993-68,920,999 gives the same sequence; the c. name uses the placement nearest the transcript's 3' end. VCF-style (leftmost placement, unchanged base first): chr14-68920992-GAGGT-G. GRCh37 (hg19) VCF-style: chr14-69387709-GAGGT-G.
Other names: c.340+10_340+13del (NM_001130005.2, NM_001102.4, NM_001411035.1); c.145+10_145+13del (NM_001411036.1).
Identifiers: ClinVar variation 2572154 (VCV002572154.1), dbSNP rs2504137430, ClinGen allele CA2580612780.
Genomic context (GRCh38, chr14:68,920,992, plus strand): 5'-GCACAAAAAAGGCCAAGAGAACCAGGGGGACAAAGAAAATCAGGCTCCTTGGGGCCACCA[GAGGT>G]AGGCCTTACCTTCGGCTCCGATGGACACCAGTTTGACGCCTTTGCTGGCTATGAAATCCA-3'